The following is an entry in ClinVar:

ClinVar aggregate classification (germline): Uncertain significance (1 of 4 stars; one submission).

gnomAD v4.1: 3 of 1,556,038 alleles (0.00019%); highest among the groups gnomAD compares: Admixed American, 0.0039%; no homozygotes.

Submission:

Labcorp Genetics (formerly Invitae), Labcorp
Classification: Uncertain significance. Last evaluated: 2025-08-08. Review status: criteria provided, single submitter. Criteria: Invitae Variant Classification Sherloc (09022015). Collection method: clinical testing. Allele origin: germline.
Comment: This sequence change replaces glycine, which is neutral and non-polar, with serine, which is neutral and polar, at codon 919 of the RIMS1 protein (p.Gly919Ser). This variant is not present in population databases (gnomAD no frequency). This variant has not been reported in the literature in individuals affected with RIMS1-related conditions. An algorithm developed to predict the effect of missense changes on protein structure and function (PolyPhen-2) suggests that this variant is likely to be disruptive. Algorithms developed to predict the effect of sequence changes on RNA splicing suggest that this variant may disrupt the consensus splice site. In summary, the available evidence is currently insufficient to determine the role of this variant in disease. Therefore, it has been classified as a Variant of Uncertain Significance.

NM_014989.7(RIMS1):c.2755G>A (p.Gly919Ser)

Gene: RIMS1 (regulating synaptic membrane exocytosis 1; plus strand). Cytogenetic location: 6q13.
Variant type: single nucleotide variant.
Coding change: c.2755G>A on transcript NM_014989.7 (MANE Select); coding-DNA position 2755, G replaced by A.
Protein change: p.Gly919Ser; replaces glycine 919 with serine.
Molecular consequence: missense variant.
Genome position (GRCh38, 1-based): chr6:72,252,817, G>A. VCF-style: chr6-72252817-G-A. GRCh37 (hg19) VCF-style: chr6-72962520-G-A.
Other names: c.1177G>A, p.Gly393Ser (NM_001168408.2, NM_001350414.2, NM_001350415.2 and 37 more transcripts); c.934G>A, p.Gly312Ser (NM_001168409.2, NM_001350461.2, NM_001350463.2 and 6 more transcripts); c.1132G>A, p.Gly378Ser (NM_001168410.2, NM_001350470.2, NM_001350472.2 and 2 more transcripts); c.1108G>A, p.Gly370Ser (NM_001350430.2, NM_001350437.2, NM_001350450.2 and 6 more transcripts); short protein forms G312S, G393S, G370S, G378S, G919S.
Identifiers: ClinVar variation 4770407 (VCV004770407.1).